The following is an entry in ClinVar:

NM_015335.5(MED13L):c.4467C>T (p.Ser1489=)

Gene: MED13L (mediator complex subunit 13L; minus strand). Cytogenetic location: 12q24.21.
Variant type: single nucleotide variant.
Coding change: c.4467C>T on transcript NM_015335.5 (MANE Select); coding-DNA position 4467, C replaced by T.
Protein change: p.Ser1489=; no amino-acid change (serine 1489 retained).
Molecular consequence: synonymous variant.
Genome position (GRCh38, 1-based): chr12:115,984,244, G>A on the plus strand (C>T on the coding strand, the complement: MED13L is on the minus strand). VCF-style: chr12-115984244-G-A. GRCh37 (hg19) VCF-style: chr12-116422049-G-A.
Identifiers: ClinVar variation 533128 (VCV000533128.51), dbSNP rs141892892, ClinGen allele CA6810794.

ClinVar aggregate classification (germline): Benign/Likely benign. Review status: criteria provided, multiple submitters, no conflicts (2 of 4 stars). 5 submissions from 5 submitters: Benign (2); Likely benign (3). Last evaluated 2026-08-01.

Conditions:
Dextro-looped transposition of the great arteries. Also called: Dextrotransposition of the great arteries. Identifiers: Orphanet 860, MedGen C3531771, MONDO:0019443, OMIM 608808, HP:0031348.

Allele frequency attached by ClinVar (database versions not stated): ESP Exome Variant Server 0.00054; 1000 Genomes Project 0.00060; ExAC 0.00060; 1000 Genomes Project 30x 0.00078; gnomAD exomes 0.00081 and 0.00086; gnomAD 0.00113; TOPMed 0.00143.
gnomAD v4.1: 1,441 of 1,613,816 alleles (0.089%); highest among the groups gnomAD compares: Admixed American, 0.19%; no homozygotes.

Submissions (5):

CeGaT Center for Human Genetics Tuebingen
Classification: Likely benign. Last evaluated: 2026-08-01. Review status: criteria provided, single submitter. Criteria: CeGaT Center For Human Genetics Tuebingen Variant Classification Criteria Version 2. Collection method: clinical testing. Allele origin: germline. Affected: yes. Observed: 13 variant alleles.
Comment: MED13L: BP4, BP7, BS1

Labcorp Genetics (formerly Invitae), Labcorp
Classification: Benign for Dextro-looped transposition of the great arteries. Last evaluated: 2026-01-26. Review status: criteria provided, single submitter. Criteria: Invitae Variant Classification Sherloc (09022015). Collection method: clinical testing. Allele origin: germline.

Blueprint Genetics
Classification: Likely benign. Last evaluated: 2024-11-19. Review status: criteria provided, single submitter. Criteria: ACMG Guidelines, 2015. Collection method: clinical testing. Allele origin: germline.

GeneDx
Classification: Benign. Last evaluated: 2021-02-03. Review status: criteria provided, single submitter. Criteria: GeneDx Variant Classification Process June 2021. Collection method: clinical testing. Allele origin: germline. Affected: yes.

Breakthrough Genomics
Classification: Likely benign. Review status: criteria provided, single submitter. Criteria: ACMG Guidelines, 2015. Collection method: not provided. Allele origin: germline. Inheritance: Autosomal dominant inheritance. Affected: yes.